The following is an entry in ClinVar:

NM_004655.4(AXIN2):c.1953G>A (p.Ser651=)

Gene: AXIN2 (axin 2; minus strand). Cytogenetic location: 17q24.1.
Variant type: single nucleotide variant.
Coding change: c.1953G>A on transcript NM_004655.4 (MANE Select); coding-DNA position 1953, G replaced by A.
Protein change: p.Ser651=; no amino-acid change (serine 651 retained).
Molecular consequence: synonymous variant.
Genome position (GRCh38, 1-based): chr17:65,536,508, C>T on the plus strand (G>A on the coding strand, the complement: AXIN2 is on the minus strand). VCF-style: chr17-65536508-C-T. GRCh37 (hg19) VCF-style: chr17-63532626-C-T.
Other names: c.1758G>A, p.Ser586= (NM_001363813.1); c.1953G>A (LRG_296t1).
Identifiers: ClinVar variation 508015 (VCV000508015.19), dbSNP rs372086777, ClinGen allele CA293097840.
Genomic context (GRCh38, chr17:65,536,508, plus strand): 5'-GCGGGGGTGCCCGCTGTTGCCCCCCCACAGATGGTGCCGGCTGGCTCGTTCGCCTGGAGA[C>T]GAGCGGGCAGACTCCAAGGGGTAGGCCTTTTTTGTGCTTTGGGCACTAAACAAGGAATGA-3'
Protein context (NP_004646.3, residues 641-661): KKAYPLESAR[Ser651=]SPGERASRHH

ClinVar aggregate classification (germline): Benign/Likely benign. Review status: criteria provided, multiple submitters, no conflicts (2 of 4 stars). 5 submissions from 5 submitters: Benign (1); Likely benign (4). Last evaluated 2025-09-03.

Conditions:
AXIN2-related disorder.
Hereditary cancer-predisposing syndrome. Also called: Hereditary neoplastic syndrome; Hereditary Cancer Syndrome; Neoplastic Syndromes, Hereditary; Tumor predisposition. Identifiers: Orphanet 140162, MedGen C0027672, MeSH D009386, MONDO:0015356.
Oligodontia-cancer predisposition syndrome. Also called: TOOTH AGENESIS-COLORECTAL CANCER SYNDROME. Identifiers: Orphanet 300576, MedGen C1837750, MONDO:0012075, OMIM 608615. Disease mechanism: loss of function.

Allele frequency attached by ClinVar (database versions not stated): gnomAD exomes below 0.00001; TOPMed 0.00002.
gnomAD v4.1: 4 of 1,613,828 alleles (0.00025%); highest among the groups gnomAD compares: African/African-American, 0.004%; no homozygotes.

Submissions (5):

Labcorp Genetics (formerly Invitae), Labcorp
Classification: Likely benign for Oligodontia-cancer predisposition syndrome. Last evaluated: 2025-09-03. Review status: criteria provided, single submitter. Criteria: Invitae Variant Classification Sherloc (09022015). Collection method: clinical testing. Allele origin: germline.

PreventionGenetics, part of Exact Sciences
Classification: Likely benign for AXIN2-related condition. Last evaluated: 2025-05-27. Review status: criteria provided, single submitter. Criteria: ACMG Guidelines, 2015. Collection method: clinical testing. Allele origin: germline.
Comment: This variant is classified as likely benign based on ACMG/AMP sequence variant interpretation guidelines (Richards et al. 2015 PMID: 25741868, with internal and published modifications).

Myriad Genetics, Inc.
Classification: Benign for Oligodontia-cancer predisposition syndrome. Last evaluated: 2024-07-09. Review status: criteria provided, single submitter. Criteria: Myriad Autosomal Dominant, Autosomal Recessive and X-Linked Classification Criteria (2023). Collection method: clinical testing. Allele origin: unknown.
Comment: This variant is considered benign. This variant is a silent/synonymous amino acid change and it is not expected to impact splicing.

Ambry Genetics
Classification: Likely benign for Hereditary cancer-predisposing syndrome. Last evaluated: 2020-10-09. Review status: criteria provided, single submitter. Criteria: Ambry Variant Classification Scheme 2023. Collection method: clinical testing. Allele origin: germline.

GeneDx
Classification: Likely benign. Last evaluated: 2019-05-08. Review status: criteria provided, single submitter. Criteria: GeneDx Variant Classification Process June 2021. Collection method: clinical testing. Allele origin: germline. Affected: yes.